The following is an entry in ClinVar:

ClinVar aggregate classification (germline): Uncertain significance (1 of 4 stars; one submission).

Submission:

Labcorp Genetics (formerly Invitae), Labcorp
Classification: Uncertain significance. Last evaluated: 2024-12-16. Review status: criteria provided, single submitter. Criteria: Invitae Variant Classification Sherloc (09022015). Collection method: clinical testing. Allele origin: germline.
Comment: This sequence change replaces glutamic acid, which is acidic and polar, with lysine, which is basic and polar, at codon 561 of the CPLANE1 protein (p.Glu561Lys). This variant is not present in population databases (gnomAD no frequency). This variant has not been reported in the literature in individuals affected with CPLANE1-related conditions. ClinVar contains an entry for this variant (Variation ID: 1518145). Invitae Evidence Modeling of protein sequence and biophysical properties (such as structural, functional, and spatial information, amino acid conservation, physicochemical variation, residue mobility, and thermodynamic stability) indicates that this missense variant is not expected to disrupt CPLANE1 protein function with a negative predictive value of 95%. In summary, the available evidence is currently insufficient to determine the role of this variant in disease. Therefore, it has been classified as a Variant of Uncertain Significance.

NM_001384732.1(CPLANE1):c.1681G>A (p.Glu561Lys)

Gene: CPLANE1 (ciliogenesis and planar polarity effector complex subunit 1; minus strand). Cytogenetic location: 5p13.2.
Variant type: single nucleotide variant.
Coding change: c.1681G>A on transcript NM_001384732.1 (MANE Select); coding-DNA position 1681, G replaced by A.
Protein change: p.Glu561Lys; replaces glutamic acid 561 with lysine.
Molecular consequence: missense variant.
Genome position (GRCh38, 1-based): chr5:37,226,914, C>T on the plus strand (G>A on the coding strand, the complement: CPLANE1 is on the minus strand). VCF-style: chr5-37226914-C-T. GRCh37 (hg19) VCF-style: chr5-37227016-C-T.
Other names: c.1681G>A, p.Glu561Lys (NM_023073.4); short protein forms E561K.
Identifiers: ClinVar variation 1518145 (VCV001518145.6), dbSNP rs2150441458, ClinGen allele CA359500628.